The following is an entry in ClinVar:

ClinVar aggregate classification (germline): Conflicting classifications of pathogenicity. Review status: criteria provided, conflicting classifications (1 of 4 stars). 10 submissions from 9 submitters: Uncertain significance (1); Benign (3); Likely benign (6). Last evaluated 2025-12-17.

Conditions:
Cardiovascular phenotype. Identifiers: MedGen CN230736.
Hypercholesterolemia, autosomal dominant, 3 (FHCL3). Also called: PCSK9-Related Familial Hypercholesterolemia, Autosomal Dominant; Familial hypercholesterolemia 3; Familial Hypercholesterolemia, Autosomal Dominant, 3. Identifiers: MedGen C1863551, MONDO:0011369, OMIM 603776.
Hypobetalipoproteinemia. Identifiers: Orphanet 31154, MedGen C0020597, MONDO:0017774.
Familial hypercholesterolemia. Also called: Familial hypercholesterolemias; Familial hypercholesterolaemia. Identifiers: MedGen C0020445, MONDO:0005439.

Allele frequency attached by ClinVar (database versions not stated): 1000 Genomes Project 30x 0.00016; 1000 Genomes Project 0.00020; gnomAD 0.00077 and 0.00084; TOPMed 0.00082; ESP Exome Variant Server 0.00092.
gnomAD v4.1: 285 of 1,613,982 alleles (0.018%); highest among the groups gnomAD compares: African/African-American, 0.26%; no homozygotes.

Submissions (10):

Labcorp Genetics (formerly Invitae), Labcorp
Classification: Benign for Hypercholesterolemia, autosomal dominant, 3. Last evaluated: 2025-12-17. Review status: criteria provided, single submitter. Criteria: Invitae Variant Classification Sherloc (09022015). Collection method: clinical testing. Allele origin: germline.

GENinCode PLC
Classification: Likely benign for Familial hypercholesterolemia. Last evaluated: 2024-03-14. Review status: criteria provided, single submitter. Criteria: ACMG Guidelines, 2015. Collection method: clinical testing. Allele origin: germline.
Comment: This is a synonymous (silent) variant that is not predicted by SpliceAI to impact splicing. In addition, it occurs at a nucleotide that is not conserved and has a PopMax FAF which is greater than expected for this disorder. Therefore this variant has been classified as Likely Benign (BS1, BP4, BP7).

Blueprint Genetics
Classification: Likely benign. Last evaluated: 2024-02-08. Review status: criteria provided, single submitter. Criteria: ACMG Guidelines, 2015. Collection method: clinical testing. Allele origin: germline.

All of Us Research Program, National Institutes of Health
Classification: Likely benign for Hypercholesterolemia, autosomal dominant, 3. Last evaluated: 2024-01-11. Review status: criteria provided, single submitter. Criteria: ACMG Guidelines, 2015. Collection method: clinical testing. Allele origin: germline. Inheritance: Autosomal dominant inheritance. Observed: 35 variant alleles, 35 heterozygotes.
Comment: This study involves interpretation of variants in research participants for the purpose of population health screening. Participant phenotype was not available at the time of variant classification. Additional details can be found in publication PMID: 35346344, PMCID: PMC8962531

Ambry Genetics
Classification: Benign for Cardiovascular phenotype. Last evaluated: 2021-10-04. Review status: criteria provided, single submitter. Criteria: Ambry Variant Classification Scheme 2023. Collection method: clinical testing. Allele origin: germline.

Women's Health and Genetics/Laboratory Corporation of America, LabCorp
Classification: Benign. Last evaluated: 2019-11-16. Review status: criteria provided, single submitter. Criteria: LabCorp Variant Classification Summary - May 2015. Collection method: clinical testing. Allele origin: germline.

Color Diagnostics, LLC DBA Color Health
Classification: Likely benign for Familial hypercholesterolemias. Last evaluated: 2018-03-23. Review status: criteria provided, single submitter. Criteria: ACMG Guidelines, 2015. Collection method: clinical testing. Allele origin: germline.

Illumina Laboratory Services, Illumina
Classification: Uncertain significance for Hypercholesterolemia, autosomal dominant, 3. Last evaluated: 2018-01-12. Review status: criteria provided, single submitter. Criteria: ICSL Variant Classification Criteria 13 December 2019. Collection method: clinical testing. Allele origin: germline.

Illumina Laboratory Services, Illumina
Classification: Likely benign for Hypobetalipoproteinemia. Last evaluated: 2018-01-12. Review status: criteria provided, single submitter. Criteria: ICSL Variant Classification Criteria 13 December 2019. Collection method: clinical testing. Allele origin: germline.
Comment: This variant was observed in the ICSL laboratory as part of a predisposition screen in an ostensibly healthy population. It had not been previously curated by ICSL or reported in the Human Gene Mutation Database (HGMD: prior to June 1st, 2018), and was therefore a candidate for classification through an automated scoring system. Utilizing variant allele frequency, disease prevalence and penetrance estimates, and inheritance mode, an automated score was calculated to assess if this variant is too frequent to cause the disease. Based on the score and internal cut-off values, a variant classified as likely benign is not then subjected to further curation. The score for this variant resulted in a classification of likely benign for this disease.

GeneDx
Classification: Likely benign. Last evaluated: 2017-07-12. Review status: criteria provided, single submitter. Criteria: GeneDx Variant Classification (06012015). Collection method: clinical testing. Allele origin: germline. Affected: yes.
Comment: This variant is considered likely benign or benign based on one or more of the following criteria: it is a conservative change, it occurs at a poorly conserved position in the protein, it is predicted to be benign by multiple in silico algorithms, and/or has population frequency not consistent with disease.

NM_174936.4(PCSK9):c.1929C>T (p.His643=)

Gene: PCSK9 (proprotein convertase subtilisin/kexin type 9; plus strand). Cytogenetic location: 1p32.3.
Variant type: single nucleotide variant.
Coding change: c.1929C>T on transcript NM_174936.4 (MANE Select); coding-DNA position 1929, C replaced by T.
Protein change: p.His643=; no amino-acid change (histidine 643 retained).
Molecular consequence: synonymous variant. On other transcripts: non-coding transcript variant (8).
Genome position (GRCh38, 1-based): chr1:55,063,434, C>T. VCF-style: chr1-55063434-C-T. GRCh37 (hg19) VCF-style: chr1-55529107-C-T.
Other names: c.2052C>T, p.His684= (NM_001407240.1); c.1971C>T, p.His657= (NM_001407241.1); c.1932C>T, p.His644= (NM_001407242.1); c.1872C>T, p.His624= (NM_001407243.1); c.1755C>T, p.His585= (NM_001407244.1); c.1737C>T, p.His579= (NM_001407245.1); c.1554C>T, p.His518= (NM_001407246.1); c.1428C>T, p.His476= (NM_001407247.1).
Identifiers: ClinVar variation 510674 (VCV000510674.25), dbSNP rs145770391, ClinGen allele CA039722.